The following is an entry in ClinVar:

ClinVar aggregate classification (germline): Pathogenic (1 of 4 stars; one submission).

Allele frequency attached by ClinVar (database versions not stated): ExAC 0.00001.

Submission:

Labcorp Genetics (formerly Invitae), Labcorp
Classification: Pathogenic. Last evaluated: 2023-07-25. Review status: criteria provided, single submitter. Criteria: Invitae Variant Classification Sherloc (09022015). Collection method: clinical testing. Allele origin: germline.
Comment: For these reasons, this variant has been classified as Pathogenic. This variant has not been reported in the literature in individuals affected with FRAS1-related conditions. This variant is present in population databases (rs779770514, gnomAD 0.01%). This sequence change creates a premature translational stop signal (p.Gln1354*) in the FRAS1 gene. It is expected to result in an absent or disrupted protein product. Loss-of-function variants in FRAS1 are known to be pathogenic (PMID: 12766769, 18671281).

Literature cited by the submitters: PubMed 12766769; PubMed 18671281.

NM_025074.7(FRAS1):c.4060C>T (p.Gln1354Ter)

Gene: FRAS1 (Fraser extracellular matrix complex subunit 1; plus strand). Cytogenetic location: 4q21.21.
Variant type: single nucleotide variant.
Coding change: c.4060C>T on transcript NM_025074.7 (MANE Select); coding-DNA position 4060, C replaced by T.
Protein change: p.Gln1354Ter; replaces glutamine 1354 with a stop codon.
Molecular consequence: nonsense.
Genome position (GRCh38, 1-based): chr4:78,400,818, C>T. VCF-style: chr4-78400818-C-T. GRCh37 (hg19) VCF-style: chr4-79321972-C-T.
Other names: c.4060C>T, p.Gln1354Ter (NM_001166133.2); short protein forms Q1354*.
Identifiers: ClinVar variation 2746387 (VCV002746387.3), dbSNP rs779770514, ClinGen allele CA2977085.